The following is an entry in ClinVar:

NM_001378120.1(MBD5):c.4679A>T (p.Asn1560Ile)

Gene: MBD5 (methyl-CpG binding domain protein 5; plus strand). Cytogenetic location: 2q23.1.
Variant type: single nucleotide variant.
Coding change: c.4679A>T on transcript NM_001378120.1 (MANE Select); coding-DNA position 4679, A replaced by T.
Protein change: p.Asn1560Ile; replaces asparagine 1560 with isoleucine.
Molecular consequence: missense variant.
Genome position (GRCh38, 1-based): chr2:148,490,311, A>T. VCF-style: chr2-148490311-A-T. GRCh37 (hg19) VCF-style: chr2-149247880-A-T.
Other names: c.3980A>T, p.Asn1327Ile (NM_018328.5); short protein forms N1327I, N1560I.
Identifiers: ClinVar variation 1475723 (VCV001475723.6), dbSNP rs1559099606, ClinGen allele CA348730158.

ClinVar aggregate classification (germline): Uncertain significance (1 of 4 stars; one submission).

Conditions:
Intellectual developmental disorder, autosomal dominant 1. Also called: Intellectual disability, autosomal dominant 1; MBD5 Haploinsufficiency. Identifiers: Orphanet 228402, MedGen C1969562, MONDO:0007974, OMIM 156200.

Allele frequency attached by ClinVar (database versions not stated): gnomAD exomes 0.00001 and below 0.00001.
gnomAD v4.1: 11 of 1,614,188 alleles (0.00068%); highest among the groups gnomAD compares: Non-Finnish European, 0.00093%; no homozygotes.

Submission:

Labcorp Genetics (formerly Invitae), Labcorp
Classification: Uncertain significance for Intellectual developmental disorder, autosomal dominant 1. Last evaluated: 2025-05-11. Review status: criteria provided, single submitter. Criteria: Invitae Variant Classification Sherloc (09022015). Collection method: clinical testing. Allele origin: germline.
Comment: This sequence change replaces asparagine, which is neutral and polar, with isoleucine, which is neutral and non-polar, at codon 1327 of the MBD5 protein (p.Asn1327Ile). This variant is not present in population databases (gnomAD no frequency). This variant has not been reported in the literature in individuals affected with MBD5-related conditions. ClinVar contains an entry for this variant (Variation ID: 1475723). Experimental studies and prediction algorithms are not available or were not evaluated, and the functional significance of this variant is currently unknown. In summary, the available evidence is currently insufficient to determine the role of this variant in disease. Therefore, it has been classified as a Variant of Uncertain Significance.